The following is an entry in ClinVar:

NM_002317.7(LOX):c.524A>G (p.Tyr175Cys)

Genes: LOX (lysyl oxidase; minus strand), SRFBP1 (serum response factor binding protein 1; plus strand). Cytogenetic location: 5q23.1.
Variant type: single nucleotide variant.
Coding change: c.524A>G on transcript NM_002317.7 (MANE Select); coding-DNA position 524, A replaced by G.
Protein change: p.Tyr175Cys; replaces tyrosine 175 with cysteine.
Molecular consequence: missense variant.
Genome position (GRCh38, 1-based): chr5:122,077,462, T>C on the plus strand (A>G on the coding strand, the complement: LOX is on the minus strand). VCF-style: chr5-122077462-T-C. GRCh37 (hg19) VCF-style: chr5-121413157-T-C.
Other names: short protein forms Y175C.
Identifiers: ClinVar variation 1343025 (VCV001343025.3), dbSNP rs2152591256, ClinGen allele CA360875769.
Genomic context (GRCh38, chr5:122,077,462, plus strand): 5'-GGTCTGGGCCTTTCATAAGTATCGTAGTAGTTGTAATAAGGGTTGTCGTCAGAGTACTTG[T>C]AGGGGTTGTAAGGGTCGTCGCCCACCATGCCGTCCACGCGGCTGGGCGGCCGCAGGTTAC-3'
Protein context (NP_002308.2, residues 165-185): GMVGDDPYNP[Tyr175Cys]KYSDDNPYYN

ClinVar aggregate classification (germline): Uncertain significance. Review status: criteria provided, multiple submitters, no conflicts (2 of 4 stars). 2 submissions from 2 submitters: Uncertain significance (2). Last evaluated 2025-03-05.

gnomAD v4.1: 3 of 1,614,004 alleles (0.00019%); highest among the groups gnomAD compares: Non-Finnish European, 0.00025%; no homozygotes.

Submissions (2):

Labcorp Genetics (formerly Invitae), Labcorp
Classification: Uncertain significance. Last evaluated: 2025-03-05. Review status: criteria provided, single submitter. Criteria: Invitae Variant Classification Sherloc (09022015). Collection method: clinical testing. Allele origin: germline.
Comment: This sequence change replaces tyrosine, which is neutral and polar, with cysteine, which is neutral and slightly polar, at codon 175 of the LOX protein (p.Tyr175Cys). This variant is not present in population databases (gnomAD no frequency). This variant has not been reported in the literature in individuals affected with LOX-related conditions. ClinVar contains an entry for this variant (Variation ID: 1343025). Invitae Evidence Modeling of protein sequence and biophysical properties (such as structural, functional, and spatial information, amino acid conservation, physicochemical variation, residue mobility, and thermodynamic stability) has been performed for this missense variant. However, the output from this modeling did not meet the statistical confidence thresholds required to predict the impact of this variant on LOX protein function. In summary, the available evidence is currently insufficient to determine the role of this variant in disease. Therefore, it has been classified as a Variant of Uncertain Significance.

GeneDx
Classification: Uncertain significance. Last evaluated: 2022-02-28. Review status: criteria provided, single submitter. Criteria: GeneDx Variant Classification Process June 2021. Collection method: clinical testing. Allele origin: germline. Affected: yes.
Comment: Has not been previously published as pathogenic or benign to our knowledge; Not observed at significant frequency in large population cohorts (gnomAD); In silico analysis supports that this missense variant has a deleterious effect on protein structure/function